The following is an entry in ClinVar:

NM_017654.4(SAMD9):c.3316G>T (p.Ala1106Ser)

Gene: SAMD9 (sterile alpha motif domain containing 9; minus strand). Cytogenetic location: 7q21.2.
Variant type: single nucleotide variant.
Coding change: c.3316G>T on transcript NM_017654.4 (MANE Select); coding-DNA position 3316, G replaced by T.
Protein change: p.Ala1106Ser; replaces alanine 1106 with serine.
Molecular consequence: missense variant.
Genome position (GRCh38, 1-based): chr7:93,102,782, C>A on the plus strand (G>T on the coding strand, the complement: SAMD9 is on the minus strand). VCF-style: chr7-93102782-C-A. GRCh37 (hg19) VCF-style: chr7-92732095-C-A.
Other names: c.3316G>T, p.Ala1106Ser (NM_001193307.2); short protein forms A1106S.
Identifiers: ClinVar variation 4802476 (VCV004802476.1).

ClinVar aggregate classification (germline): Uncertain significance (1 of 4 stars; one submission).

Submission:

Labcorp Genetics (formerly Invitae), Labcorp
Classification: Uncertain significance. Last evaluated: 2025-10-26. Review status: criteria provided, single submitter. Criteria: Invitae Variant Classification Sherloc (09022015). Collection method: clinical testing. Allele origin: germline.
Comment: This sequence change replaces alanine, which is neutral and non-polar, with serine, which is neutral and polar, at codon 1106 of the SAMD9 protein (p.Ala1106Ser). This variant is not present in population databases (gnomAD no frequency). This variant has not been reported in the literature in individuals affected with SAMD9-related conditions. Invitae Evidence Modeling of protein sequence and biophysical properties (such as structural, functional, and spatial information, amino acid conservation, physicochemical variation, residue mobility, and thermodynamic stability) has been performed for this missense variant. However, the output from this modeling did not meet the statistical confidence thresholds required to predict the impact of this variant on SAMD9 protein function. In summary, the available evidence is currently insufficient to determine the role of this variant in disease. Therefore, it has been classified as a Variant of Uncertain Significance.